The following is an entry in ClinVar:

NM_173728.4(ARHGEF15):c.420del (p.Asn141fs)

Gene: ARHGEF15 (Rho guanine nucleotide exchange factor 15; plus strand). Cytogenetic location: 17p13.1.
Variant type: Deletion.
Coding change: c.420del on transcript NM_173728.4 (MANE Select); coding-DNA position 420, one base deleted (G; older notation c.420delG).
Protein change: p.Asn141fs; shifts the reading frame from asparagine 141.
Molecular consequence: frameshift variant.
Genome position (GRCh38, 1-based): chr17:8,312,459, G deleted. VCF-style (leftmost placement, unchanged base first): chr17-8312458-AG-A. GRCh37 (hg19) VCF-style: chr17-8215776-AG-A.
Other names: c.420del, p.Asn141fs (NM_025014.2); short protein forms N141fs.
Identifiers: ClinVar variation 1000210 (VCV001000210.7), dbSNP rs761174975, ClinGen allele CA8374855.

ClinVar aggregate classification (germline): Uncertain significance (1 of 4 stars; one submission).

Conditions:
Early-infantile DEE. Also called: Early infantile epileptic encephalopathy with suppression bursts; Ohtahara syndrome; Early infantile epileptic encephalopathy. Identifiers: Orphanet 1934, MedGen C0393706, MONDO:0800491.

Allele frequency attached by ClinVar (database versions not stated): ExAC 0.00001; gnomAD 0.00001; gnomAD exomes 0.00001 and 0.00002; TOPMed 0.00001.

Submission:

Labcorp Genetics (formerly Invitae), Labcorp
Classification: Uncertain significance for Early-infantile DEE. Last evaluated: 2020-08-29. Review status: criteria provided, single submitter. Criteria: Invitae Variant Classification Sherloc (09022015). Collection method: clinical testing. Allele origin: germline.
Comment: In summary, the available evidence is currently insufficient to determine the role of this variant in disease. Therefore, it has been classified as a Variant of Uncertain Significance. The current clinical and genetic evidence is not sufficient to establish whether loss-of-function variants in ARHGEF15 cause disease. This variant has not been reported in the literature in individuals with ARHGEF15-related conditions. This variant is present in population databases (rs761174975, ExAC 0.01%). This sequence change creates a premature translational stop signal (p.Asn141Metfs*41) in the ARHGEF15 gene. It is expected to result in an absent or disrupted protein product.